The following is an entry in ClinVar:

ClinVar aggregate classification (germline): Uncertain significance (1 of 4 stars; one submission).

Conditions:
Autosomal dominant Robinow syndrome 1. Also called: ACRAL DYSOSTOSIS WITH FACIAL AND GENITAL ABNORMALITIES; FETAL FACE SYNDROME; ROBINOW DWARFISM; Covesdem syndrome (formerly); Costovertebral segmentation defect with mesomelia (formerly); WNT5A-Related Robinow Syndrome, Autosomal Dominant. Identifiers: Orphanet 3107, Orphanet 97360, MedGen C4551475, MONDO:0024455, OMIM 180700.

Submission:

Dasa
Classification: Uncertain significance for Autosomal dominant Robinow syndrome 1. Last evaluated: 2025-09-22. Review status: criteria provided, single submitter. Criteria: DASA Assertion Criteria. Collection method: clinical testing. Allele origin: germline.
Comment: NM_003392.7(WNT5A):c.268A>G (p.Met90Val) is a missense variant that results in the substitution of methionine with valine. This variant is rare in population databases. The currently available literature and clinical evidence are not sufficient to establish a definitive association between this variant and the reported condition. Therefore, this variant is classified as a variant of uncertain significance.

NM_003392.7(WNT5A):c.268A>G (p.Met90Val)

Gene: WNT5A (Wnt family member 5A; minus strand). Cytogenetic location: 3p14.3.
Variant type: single nucleotide variant.
Coding change: c.268A>G on transcript NM_003392.7 (MANE Select); coding-DNA position 268, A replaced by G.
Protein change: p.Met90Val; replaces methionine 90 with valine.
Molecular consequence: missense variant.
Genome position (GRCh38, 1-based): chr3:55,479,437, T>C on the plus strand (A>G on the coding strand, the complement: WNT5A is on the minus strand). VCF-style: chr3-55479437-T-C. GRCh37 (hg19) VCF-style: chr3-55513465-T-C.
Other names: c.223A>G, p.Met75Val (NM_001256105.1, NM_001377271.1, NM_001377272.1); short protein forms M75V, M90V.
Identifiers: ClinVar variation 4882082 (VCV004882082.2).